The following is an entry in ClinVar:

NM_000548.5(TSC2):c.2184C>T (p.Cys728=)

Gene: TSC2 (TSC complex subunit 2; plus strand). Cytogenetic location: 16p13.3.
Variant type: single nucleotide variant.
Coding change: c.2184C>T on transcript NM_000548.5 (MANE Select); coding-DNA position 2184, C replaced by T.
Protein change: p.Cys728=; no amino-acid change (cysteine 728 retained).
Molecular consequence: synonymous variant.
Genome position (GRCh38, 1-based): chr16:2,072,327, C>T. VCF-style: chr16-2072327-C-T. GRCh37 (hg19) VCF-style: chr16-2122328-C-T.
Other names: p.Cys728=; c.2184C>T (NM_000548.4); c.2184C>T, p.Cys728= (NM_001077183.3, NM_001114382.3, NM_001363528.2 and 3 more transcripts); c.2073C>T, p.Cys691= (NM_001318827.2); c.2037C>T, p.Cys679= (NM_001318829.2); c.1584C>T, p.Cys528= (NM_001318831.2); c.2217C>T, p.Cys739= (NM_001318832.2).
Identifiers: ClinVar variation 467928 (VCV000467928.15), dbSNP rs1555506557, ClinGen allele CA492951106.

ClinVar aggregate classification (germline): Benign/Likely benign. Review status: criteria provided, multiple submitters, no conflicts (2 of 4 stars). 6 submissions from 6 submitters: Benign (1); Likely benign (5). Last evaluated 2026-03-25.

Conditions:
TSC2-related disorder. Also called: TSC2-Related Disorders; TSC2-related condition.
Hereditary cancer-predisposing syndrome. Also called: Tumor predisposition; Hereditary neoplastic syndrome; Neoplastic Syndromes, Hereditary; Hereditary Cancer Syndrome. Identifiers: Orphanet 140162, MedGen C0027672, MeSH D009386, MONDO:0015356.
Tuberous sclerosis syndrome (TSC). Also called: Tuberous Sclerosis Complex; Tuberous sclerosis. Identifiers: Orphanet 805, MedGen C0041341, MONDO:0001734.
Tuberous sclerosis 2 (TSC2). Identifiers: Orphanet 805, MedGen C1860707, MONDO:0013199, OMIM 613254.

Allele frequency attached by ClinVar (database versions not stated): gnomAD exomes below 0.00001; TOPMed below 0.00001.
gnomAD v4.1: 2 of 1,614,162 alleles (0.00012%); highest among the groups gnomAD compares: Non-Finnish European, 0.000085%; no homozygotes.

Submissions (6):

PreventionGenetics, part of Exact Sciences
Classification: Likely benign for TSC2-related condition. Last evaluated: 2026-03-25. Review status: criteria provided, single submitter. Criteria: ACMG Guidelines, 2015. Collection method: clinical testing. Allele origin: germline.
Comment: This variant is classified as likely benign based on ACMG/AMP sequence variant interpretation guidelines (Richards et al. 2015 PMID: 25741868, with internal and published modifications).

Labcorp Genetics (formerly Invitae), Labcorp
Classification: Likely benign for Tuberous sclerosis 2. Last evaluated: 2025-11-05. Review status: criteria provided, single submitter. Criteria: Invitae Variant Classification Sherloc (09022015). Collection method: clinical testing. Allele origin: germline.

KCCC/NGS Laboratory, Kuwait Cancer Control Center
Classification: Benign for Tuberous sclerosis 2. Last evaluated: 2025-02-01. Review status: criteria provided, single submitter. Criteria: ACMG Guidelines, 2015. Collection method: clinical testing. Allele origin: germline. Affected: no.

Mayo Clinic Laboratories, Mayo Clinic
Classification: Likely benign. Last evaluated: 2025-01-17. Review status: criteria provided, single submitter. Criteria: ACMG Guidelines, 2015. Collection method: clinical testing. Allele origin: germline. Observed: 1 variant allele.
Comment: BP4, BP7

All of Us Research Program, National Institutes of Health
Classification: Likely benign for Tuberous sclerosis syndrome. Last evaluated: 2023-06-26. Review status: criteria provided, single submitter. Criteria: ACMG Guidelines, 2015. Collection method: clinical testing. Allele origin: germline. Inheritance: Autosomal dominant inheritance. Observed: 1 variant allele, 1 heterozygote.
Comment: This study involves interpretation of variants in research participants for the purpose of population health screening. Participant phenotype was not available at the time of variant classification. Additional details can be found in publication PMID: 35346344, PMCID: PMC8962531

Ambry Genetics
Classification: Likely benign for Hereditary cancer-predisposing syndrome. Last evaluated: 2015-10-10. Review status: criteria provided, single submitter. Criteria: Ambry Variant Classification Scheme 2023. Collection method: clinical testing. Allele origin: germline.